The following is an entry in ClinVar:

NM_000108.5(DLD):c.340T>G (p.Ser114Ala)

Gene: DLD (dihydrolipoamide dehydrogenase; plus strand). Cytogenetic location: 7q31.1.
Variant type: single nucleotide variant.
Coding change: c.340T>G on transcript NM_000108.5 (MANE Select); coding-DNA position 340, T replaced by G.
Protein change: p.Ser114Ala; replaces serine 114 with alanine.
Molecular consequence: missense variant.
Genome position (GRCh38, 1-based): chr7:107,904,960, T>G. VCF-style: chr7-107904960-T-G. GRCh37 (hg19) VCF-style: chr7-107545405-T-G.
Other names: c.43T>G, p.Ser15Ala (NM_001289750.1); c.271T>G, p.Ser91Ala (NM_001289751.1); c.340T>G, p.Ser114Ala (NM_001289752.1); short protein forms S114A, S15A, S91A.
Identifiers: ClinVar variation 2848280 (VCV002848280.3), dbSNP rs372032595, ClinGen allele CA4434444.

ClinVar aggregate classification (germline): Uncertain significance (1 of 4 stars; one submission).

Conditions:
Pyruvate dehydrogenase E3 deficiency (DLDD). Also called: Dihydrolipoamide Dehydrogenase (E3) Deficiency; MAPLE SYRUP URINE DISEASE, TYPE III; Dihydrolipoamide Dehydrogenase E3 Deficiency; Dihydrolipoamide Dehydrogenase Deficiency; DLD DEFICIENCY; E3 DEFICIENCY. Identifiers: Orphanet 2394, Orphanet 765, MedGen C5574660, MONDO:0009529, OMIM 246900.

Allele frequency attached by ClinVar (database versions not stated): ExAC 0.00001; ESP Exome Variant Server 0.00008.
gnomAD v4.1: 5 of 1,611,082 alleles (0.00031%); highest among the groups gnomAD compares: Non-Finnish European, 0.00042%; no homozygotes.

Submission:

Labcorp Genetics (formerly Invitae), Labcorp
Classification: Uncertain significance for Pyruvate dehydrogenase E3 deficiency. Last evaluated: 2023-10-10. Review status: criteria provided, single submitter. Criteria: Invitae Variant Classification Sherloc (09022015). Collection method: clinical testing. Allele origin: germline.
Comment: This sequence change replaces serine, which is neutral and polar, with alanine, which is neutral and non-polar, at codon 114 of the DLD protein (p.Ser114Ala). This variant is present in population databases (rs372032595, gnomAD 0.007%). This variant has not been reported in the literature in individuals affected with DLD-related conditions. An algorithm developed to predict the effect of missense changes on protein structure and function (PolyPhen-2) suggests that this variant is likely to be tolerated. In summary, the available evidence is currently insufficient to determine the role of this variant in disease. Therefore, it has been classified as a Variant of Uncertain Significance.